The following is an entry in ClinVar:

NM_030665.4(RAI1):c.5407C>T (p.Arg1803Cys)

Gene: RAI1 (retinoic acid induced 1; plus strand). Cytogenetic location: 17p11.2.
Variant type: single nucleotide variant.
Coding change: c.5407C>T on transcript NM_030665.4 (MANE Select); coding-DNA position 5407, C replaced by T.
Protein change: p.Arg1803Cys; replaces arginine 1803 with cysteine.
Molecular consequence: missense variant.
Genome position (GRCh38, 1-based): chr17:17,798,355, C>T. VCF-style: chr17-17798355-C-T. GRCh37 (hg19) VCF-style: chr17-17701669-C-T.
Other names: c.5407C>T (NM_030665.3); short protein forms R1803C.
Identifiers: ClinVar variation 1372601 (VCV001372601.11), dbSNP rs778987232, ClinGen allele CA8419152.

ClinVar aggregate classification (germline): Uncertain significance. Review status: criteria provided, multiple submitters, no conflicts (2 of 4 stars). 3 submissions from 3 submitters: Uncertain significance (2). 1 of the submissions does not count toward it. Last evaluated 2023-03-13.

Conditions:
RAI1-related disorder. Also called: RAI1-related condition.

Allele frequency attached by ClinVar (database versions not stated): gnomAD exomes 0.00001.
gnomAD v4.1: 6 of 1,606,118 alleles (0.00037%); highest among the groups gnomAD compares: South Asian, 0.0011%; no homozygotes.

Submissions (3):

GeneDx
Classification: Uncertain significance. Last evaluated: 2023-03-13. Review status: criteria provided, single submitter. Criteria: GeneDx Variant Classification Process June 2021. Collection method: clinical testing. Allele origin: germline. Affected: yes.
Comment: In silico analysis supports that this missense variant has a deleterious effect on protein structure/function; Has not been previously published as pathogenic or benign to our knowledge

Labcorp Genetics (formerly Invitae), Labcorp
Classification: Uncertain significance. Last evaluated: 2022-02-04. Review status: criteria provided, single submitter. Criteria: Invitae Variant Classification Sherloc (09022015). Collection method: clinical testing. Allele origin: germline.
Comment: In summary, the available evidence is currently insufficient to determine the role of this variant in disease. Therefore, it has been classified as a Variant of Uncertain Significance. Algorithms developed to predict the effect of missense changes on protein structure and function (SIFT, PolyPhen-2, Align-GVGD) all suggest that this variant is likely to be disruptive. This variant has not been reported in the literature in individuals affected with RAI1-related conditions. The frequency data for this variant in the population databases is considered unreliable, as metrics indicate poor data quality at this position in the gnomAD database. This sequence change replaces arginine, which is basic and polar, with cysteine, which is neutral and slightly polar, at codon 1803 of the RAI1 protein (p.Arg1803Cys).

PreventionGenetics, part of Exact Sciences
Classification: Uncertain significance for RAI1-related condition. Last evaluated: 2024-01-23. Review status: no assertion criteria provided. Collection method: clinical testing. Allele origin: germline. Not counted in ClinVar's aggregate classification.
Comment: The RAI1 c.5407C>T variant is predicted to result in the amino acid substitution p.Arg1803Cys. To our knowledge, this variant has not been reported in the literature. This variant is reported in 0.0034% of alleles in individuals of South Asian descent in gnomAD. At this time, the clinical significance of this variant is uncertain due to the absence of conclusive functional and genetic evidence.